The following is an entry in ClinVar:

NM_001113378.2(FANCI):c.934_938del (p.Leu312fs)

Gene: FANCI (FA complementation group I; plus strand). Cytogenetic location: 15q26.1.
Variant type: Deletion.
Coding change: c.934_938del on transcript NM_001113378.2 (MANE Select); coding-DNA positions 934 to 938, 5 bases deleted (CTTCT; older notation c.934_938delCTTCT).
Protein change: p.Leu312fs; shifts the reading frame from leucine 312.
Molecular consequence: frameshift variant.
Genome position (GRCh38, 1-based): chr15:89,273,428-89,273,432, CTTCT deleted; deleting any 5 consecutive bases within chr15:89,273,426-89,273,432 gives the same sequence; the c. name uses the placement nearest the transcript's 3' end. VCF-style (leftmost placement, unchanged base first): chr15-89273425-GCTCTT-G. GRCh37 (hg19) VCF-style: chr15-89816656-GCTCTT-G.
Other names: c.655_659del, p.Leu219fs (NM_001376910.1); c.934_938del, p.Leu312fs (NM_001376911.1, NM_018193.3); short protein forms L312fs, L219fs.
Identifiers: ClinVar variation 3640122 (VCV003640122.2).
Genomic context (GRCh38, chr15:89,273,425, plus strand): 5'-GCTCTCTTCTAGGTAGGACAGCAAGGAGATTCCAATAATAACTTAAGTCCCTTCAGCATT[GCTCTT>G]CTTCTGTCTGTAACAAGAATACAAAGATTTCAGGACCAGGTATTTTTTTAAAATGCCATT-3'

ClinVar aggregate classification (germline): Pathogenic (1 of 4 stars; one submission).

Conditions:
Fanconi anemia (FA). Also called: Fanconi's anemia. Identifiers: Orphanet 84, MedGen C0015625, MeSH D005199, MONDO:0019391.

Submission:

Labcorp Genetics (formerly Invitae), Labcorp
Classification: Pathogenic for Fanconi anemia. Last evaluated: 2024-02-11. Review status: criteria provided, single submitter. Criteria: Invitae Variant Classification Sherloc (09022015). Collection method: clinical testing. Allele origin: germline.
Comment: This sequence change creates a premature translational stop signal (p.Leu312Serfs*15) in the FANCI gene. It is expected to result in an absent or disrupted protein product. Loss-of-function variants in FANCI are known to be pathogenic (PMID: 17452773, 17460694). This variant is not present in population databases (gnomAD no frequency). This variant has not been reported in the literature in individuals affected with FANCI-related conditions. For these reasons, this variant has been classified as Pathogenic.

Literature cited by the submitters: PubMed 17452773; PubMed 17460694.